The following is an entry in ClinVar:

NM_001211.6(BUB1B):c.1699A>G (p.Ile567Val)

Gene: BUB1B (BUB1 mitotic checkpoint serine/threonine kinase B; plus strand). Cytogenetic location: 15q15.1.
Variant type: single nucleotide variant.
Coding change: c.1699A>G on transcript NM_001211.6 (MANE Select); coding-DNA position 1699, A replaced by G.
Protein change: p.Ile567Val; replaces isoleucine 567 with valine.
Molecular consequence: missense variant.
Genome position (GRCh38, 1-based): chr15:40,202,659, A>G. VCF-style: chr15-40202659-A-G. GRCh37 (hg19) VCF-style: chr15-40494860-A-G.
Other names: short protein forms I567V.
Identifiers: ClinVar variation 2624685 (VCV002624685.2), dbSNP rs145578529, ClinGen allele CA7475863.

ClinVar aggregate classification (germline): Uncertain significance (1 of 4 stars; one submission).

Conditions:
Inborn genetic diseases. Identifiers: MedGen C0950123, MeSH D030342.

Allele frequency attached by ClinVar (database versions not stated): TOPMed below 0.00001; ExAC 0.00001; gnomAD 0.00001; 1000 Genomes Project 30x 0.00016; 1000 Genomes Project 0.00020.
gnomAD v4.1: 2 of 1,614,064 alleles (0.00012%); highest among the groups gnomAD compares: African/African-American, 0.0013%; no homozygotes.

Submission:

Ambry Genetics
Classification: Uncertain significance for Inborn genetic diseases. Last evaluated: 2023-07-16. Review status: criteria provided, single submitter. Criteria: Ambry Variant Classification Scheme 2023. Collection method: clinical testing. Allele origin: germline.
Comment: The p.I567V variant (also known as c.1699A>G), located in coding exon 14 of the BUB1B gene, results from an A to G substitution at nucleotide position 1699. The isoleucine at codon 567 is replaced by valine, an amino acid with highly similar properties. This amino acid position is conserved. In addition, this alteration is predicted to be tolerated by in silico analysis. Since supporting evidence is limited at this time, the clinical significance of this alteration remains unclear.